The following is an entry in ClinVar:

NM_006939.4(SOS2):c.2T>C (p.Met1Thr)

Genes: SOS2 (SOS Ras/Rho guanine nucleotide exchange factor 2; minus strand), LOC130055588 (ATAC-STARR-seq lymphoblastoid silent region 5718; plus strand). Cytogenetic location: 14q21.3.
Variant type: single nucleotide variant.
Coding change: c.2T>C on transcript NM_006939.4 (MANE Select); coding-DNA position 2, T replaced by C.
Protein change: p.Met1Thr; changes the start codon (methionine 1).
Molecular consequence: missense variant, initiator codon variant.
Genome position (GRCh38, 1-based): chr14:50,231,282, A>G on the plus strand (T>C on the coding strand, the complement: SOS2 is on the minus strand). VCF-style: chr14-50231282-A-G. GRCh37 (hg19) VCF-style: chr14-50698000-A-G.
Other names: c.2T>C, p.Met1Thr (NM_001411020.1); short protein forms M1T.
Identifiers: ClinVar variation 2714344 (VCV002714344.3), dbSNP rs2503347343, ClinGen allele CA389657765.

ClinVar aggregate classification (germline): Uncertain significance (1 of 4 stars; one submission).

Conditions:
Noonan syndrome 9 (NS9). Identifiers: Orphanet 648, MedGen C4225282, MONDO:0014691, OMIM 616559.

Submission:

Labcorp Genetics (formerly Invitae), Labcorp
Classification: Uncertain significance for Noonan syndrome 9. Last evaluated: 2023-06-14. Review status: criteria provided, single submitter. Criteria: Invitae Variant Classification Sherloc (09022015). Collection method: clinical testing. Allele origin: germline.
Comment: In summary, the available evidence is currently insufficient to determine the role of this variant in disease. Therefore, it has been classified as a Variant of Uncertain Significance. Experimental studies and prediction algorithms are not available or were not evaluated, and the functional significance of this variant is currently unknown. This variant has not been reported in the literature in individuals affected with SOS2-related conditions. This variant is not present in population databases (gnomAD no frequency). This sequence change affects the initiator methionine of the SOS2 mRNA. The next in-frame methionine is located at codon 61.